The following is an entry in ClinVar:

ClinVar aggregate classification (germline): Pathogenic (1 of 4 stars; one submission).

Conditions:
Neuromuscular disease caused by qualitative or quantitative defects of dystrophin. Also called: Qualitative or quantitative defects of dystrophin. Identifiers: Orphanet 207085, MedGen C5679787, MONDO:0016147.

Submission:

Women's Health and Genetics/Laboratory Corporation of America, LabCorp
Classification: Pathogenic for Neuromuscular disease caused by qualitative or quantitative defects of dystrophin. Last evaluated: 2025-02-19. Review status: criteria provided, single submitter. Criteria: LabCorp Variant Classification Summary - May 2015. Collection method: clinical testing. Allele origin: germline.
Comment: Variant summary: The variant involves the duplication of exon 55 in the DMD gene. A presumed nomenclature of c.(8027+1_8028-1)_(8217+1_8218-1)dup has been designated for the purposes of this classification. It is assumed to be a tandem duplication in direct orientation (PMIDs: 25640679, 30054569). This Copy Number Variant (CNV) is expected to alter the reading frame and predicted to result in a truncation or absence of the encoded protein due to nonsense mediated decay (NMD). The variant was absent in 15814 control chromosomes in the gnomAD database (Structural Variants v2.1 dataset). Similar duplication has been reported in the literature in individuals affected with Duchenne Muscular Dystrophy or suspected DMD (Gualandi_2008, Wang_2014, UMD database). These data indicate that the variant is likely to be associated with disease. In patient derived muscle biopsies, the dystrophin protein was not detected by immunostaining (Gualandi_2008, UMD database), suggesting that the variant disrupts reading frame. These data indicate that the variant is likely to be associated with disease. The following publications have been ascertained in the context of this evaluation (PMID: 18853462, 18683213, 24770780). ClinVar contains an entry for this variant (Variation ID: 666228). Based on the evidence outlined above, the variant was classified as pathogenic.

Literature cited by the submitters: PubMed 18853462; PubMed 18683213; PubMed 24770780.

NC_000023.10:g.(31525571_31645789)_(31645980_31676106)dup

Gene: DMD (dystrophin; minus strand). Cytogenetic location: Xp21.1.
Variant type: Duplication.
Identifiers: ClinVar variation 992203 (VCV000992203.2).